The following is an entry in ClinVar:

ClinVar aggregate classification (germline): Uncertain significance (1 of 4 stars; one submission).

Conditions:
Compton-North congenital myopathy (CMYO12). Identifiers: Orphanet 210163, MedGen C2675527, MONDO:0012929, OMIM 612540.

Allele frequency attached by ClinVar (database versions not stated): gnomAD exomes below 0.00001.
gnomAD v4.1: 3 of 1,613,596 alleles (0.00019%); highest among the groups gnomAD compares: Non-Finnish European, 0.00025%; no homozygotes.

Submission:

Labcorp Genetics (formerly Invitae), Labcorp
Classification: Uncertain significance for Compton-North congenital myopathy. Last evaluated: 2019-01-26. Review status: criteria provided, single submitter. Criteria: Invitae Variant Classification Sherloc (09022015). Collection method: clinical testing. Allele origin: germline.
Comment: In summary, the available evidence is currently insufficient to determine the role of this variant in disease. Therefore, it has been classified as a Variant of Uncertain Significance. Algorithms developed to predict the effect of sequence changes on RNA splicing suggest that this variant may create or strengthen a splice site, but this prediction has not been confirmed by published transcriptional studies. Algorithms developed to predict the effect of missense changes on protein structure and function are either unavailable or do not agree on the potential impact of this missense change (SIFT: "Deleterious"; PolyPhen-2: "Benign"; Align-GVGD: "Class C25"). This variant has not been reported in the literature in individuals with CNTN1-related conditions. This variant is not present in population databases (ExAC no frequency). This sequence change replaces lysine with arginine at codon 76 of the CNTN1 protein (p.Lys76Arg). The lysine residue is highly conserved and there is a small physicochemical difference between lysine and arginine.

NM_001843.4(CNTN1):c.227A>G (p.Lys76Arg)

Gene: CNTN1 (contactin 1; plus strand). Cytogenetic location: 12q12.
Variant type: single nucleotide variant.
Coding change: c.227A>G on transcript NM_001843.4 (MANE Select); coding-DNA position 227, A replaced by G.
Protein change: p.Lys76Arg; replaces lysine 76 with arginine.
Molecular consequence: missense variant.
Genome position (GRCh38, 1-based): chr12:40,918,771, A>G. VCF-style: chr12-40918771-A-G. GRCh37 (hg19) VCF-style: chr12-41312573-A-G.
Other names: c.227A>G, p.Lys76Arg (NM_001256063.2, NM_001256064.2); c.194A>G, p.Lys65Arg (NM_175038.2); short protein forms K76R, K65R.
Identifiers: ClinVar variation 845905 (VCV000845905.9), dbSNP rs1355732702, ClinGen allele CA384421813.
Genomic context (GRCh38, chr12:40,918,771, plus strand): 5'-CACTGGAAGGAAAAGTCTCACTCAACTGTAGGGCACGAGCCAGCCCTTTCCCGGTTTACA[A>G]GTAATGTACCTCGCTTCTCTTTTCAGAGTGGAGTGTCAGAGTAATGATCACAGATCAGCA-3'
Protein context (NP_001834.2, residues 66-86): RARASPFPVY[Lys76Arg]WRMNNGDVDL